The following is an entry in ClinVar:

NM_139318.5(KCNH5):c.295A>C (p.Lys99Gln)

Gene: KCNH5 (potassium voltage-gated channel subfamily H member 5; minus strand). Cytogenetic location: 14q23.2.
Variant type: single nucleotide variant.
Coding change: c.295A>C on transcript NM_139318.5 (MANE Select); coding-DNA position 295, A replaced by C.
Protein change: p.Lys99Gln; replaces lysine 99 with glutamine.
Molecular consequence: missense variant.
Genome position (GRCh38, 1-based): chr14:63,006,375, T>G on the plus strand (A>C on the coding strand, the complement: KCNH5 is on the minus strand). VCF-style: chr14-63006375-T-G. GRCh37 (hg19) VCF-style: chr14-63473093-T-G.
Other names: c.295A>C, p.Lys99Gln (NM_172375.3); short protein forms K99Q.
Identifiers: ClinVar variation 1347719 (VCV001347719.9), dbSNP rs780461223, ClinGen allele CA7217712.

ClinVar aggregate classification (germline): Uncertain significance (1 of 4 stars; one submission).

Conditions:
Early-infantile DEE. Also called: Early infantile epileptic encephalopathy; Early infantile epileptic encephalopathy with suppression bursts; Ohtahara syndrome. Identifiers: Orphanet 1934, MedGen C0393706, MONDO:0800491.

Allele frequency attached by ClinVar (database versions not stated): TOPMed below 0.00001; gnomAD 0.00001; ExAC 0.00003; gnomAD exomes 0.00003.
gnomAD v4.1: 6 of 1,602,984 alleles (0.00037%); highest among the groups gnomAD compares: East Asian, 0.011%; no homozygotes.

Submission:

Labcorp Genetics (formerly Invitae), Labcorp
Classification: Uncertain significance for Early-infantile DEE. Last evaluated: 2020-11-15. Review status: criteria provided, single submitter. Criteria: Invitae Variant Classification Sherloc (09022015). Collection method: clinical testing. Allele origin: germline.
Comment: In summary, the available evidence is currently insufficient to determine the role of this variant in disease. Therefore, it has been classified as a Variant of Uncertain Significance. Algorithms developed to predict the effect of sequence changes on RNA splicing suggest that this variant may create or strengthen a splice site, but this prediction has not been confirmed by published transcriptional studies. Algorithms developed to predict the effect of missense changes on protein structure and function are either unavailable or do not agree on the potential impact of this missense change (SIFT: "Deleterious"; PolyPhen-2: "Benign"; Align-GVGD: "Class C0"). This variant has not been reported in the literature in individuals with KCNH5-related conditions. This sequence change replaces lysine with glutamine at codon 99 of the KCNH5 protein (p.Lys99Gln). The lysine residue is highly conserved and there is a small physicochemical difference between lysine and glutamine. This variant is present in population databases (rs780461223, ExAC 0.05%).